The following is an entry in ClinVar:

NM_198253.3(TERT):c.926C>T (p.Ser309Phe)

Gene: TERT (telomerase reverse transcriptase; minus strand). Cytogenetic location: 5p15.33.
Variant type: single nucleotide variant.
Coding change: c.926C>T on transcript NM_198253.3 (MANE Select); coding-DNA position 926, C replaced by T.
Protein change: p.Ser309Phe; replaces serine 309 with phenylalanine.
Molecular consequence: missense variant. On other transcripts: non-coding transcript variant (2).
Genome position (GRCh38, 1-based): chr5:1,293,960, G>A on the plus strand (C>T on the coding strand, the complement: TERT is on the minus strand). VCF-style: chr5-1293960-G-A. GRCh37 (hg19) VCF-style: chr5-1294075-G-A.
Other names: c.926C>T, p.Ser309Phe (NM_001193376.3); short protein forms S309F.
Identifiers: ClinVar variation 3369869 (VCV003369869.1).

ClinVar aggregate classification (germline): Uncertain significance (1 of 4 stars; one submission).

Submission:

GeneDx
Classification: Uncertain significance. Last evaluated: 2024-03-04. Review status: criteria provided, single submitter. Criteria: GeneDx Variant Classification Process June 2021. Collection method: clinical testing. Allele origin: germline. Affected: yes.
Comment: Not observed at significant frequency in large population cohorts (gnomAD); In silico analysis supports that this missense variant does not alter protein structure/function; Has not been previously published as pathogenic or benign to our knowledge